The following is an entry in ClinVar:

ClinVar aggregate classification (germline): Uncertain significance (1 of 4 stars; one submission).

Conditions:
Multiple congenital anomalies-hypotonia-seizures syndrome 1 (MCAHS1). Also called: PIGN-CDG; Congenital disorder of glycosylation due to PIGN deficiency; GLYCOSYLPHOSPHATIDYLINOSITOL BIOSYNTHESIS DEFECT 3. Identifiers: Orphanet 280633, MedGen C3279775, MONDO:0013563, OMIM 614080.

Allele frequency attached by ClinVar (database versions not stated): gnomAD 0.00001; ESP Exome Variant Server 0.00008; TOPMed 0.00002.

Submission:

Labcorp Genetics (formerly Invitae), Labcorp
Classification: Uncertain significance for Multiple congenital anomalies-hypotonia-seizures syndrome 1. Last evaluated: 2022-03-18. Review status: criteria provided, single submitter. Criteria: Invitae Variant Classification Sherloc (09022015). Collection method: clinical testing. Allele origin: germline.
Comment: This sequence change replaces isoleucine, which is neutral and non-polar, with valine, which is neutral and non-polar, at codon 332 of the PIGN protein (p.Ile332Val). This variant is not present in population databases (gnomAD no frequency). This variant has not been reported in the literature in individuals affected with PIGN-related conditions. Algorithms developed to predict the effect of missense changes on protein structure and function (SIFT, PolyPhen-2, Align-GVGD) all suggest that this variant is likely to be tolerated. In summary, the available evidence is currently insufficient to determine the role of this variant in disease. Therefore, it has been classified as a Variant of Uncertain Significance.

NM_176787.5(PIGN):c.994A>G (p.Ile332Val)

Gene: PIGN (phosphatidylinositol glycan anchor biosynthesis class N; minus strand). Cytogenetic location: 18q21.33.
Variant type: single nucleotide variant.
Coding change: c.994A>G on transcript NM_176787.5 (MANE Select); coding-DNA position 994, A replaced by G.
Protein change: p.Ile332Val; replaces isoleucine 332 with valine.
Molecular consequence: missense variant.
Genome position (GRCh38, 1-based): chr18:62,140,449, T>C on the plus strand (A>G on the coding strand, the complement: PIGN is on the minus strand). VCF-style: chr18-62140449-T-C. GRCh37 (hg19) VCF-style: chr18-59807682-T-C.
Other names: c.994A>G, p.Ile332Val (NM_012327.6); short protein forms I332V.
Identifiers: ClinVar variation 1427305 (VCV001427305.3), dbSNP rs373045834, ClinGen allele CA301731999.